The following is an entry in ClinVar:

NM_020458.4(TTC7A):c.1917G>T (p.Leu639=)

Gene: TTC7A (tetratricopeptide repeat domain 7A; plus strand). Cytogenetic location: 2p21.
Variant type: single nucleotide variant.
Coding change: c.1917G>T on transcript NM_020458.4 (MANE Select); coding-DNA position 1917, G replaced by T.
Protein change: p.Leu639=; no amino-acid change (leucine 639 retained).
Molecular consequence: synonymous variant.
Genome position (GRCh38, 1-based): chr2:47,046,429, G>T. VCF-style: chr2-47046429-G-T. GRCh37 (hg19) VCF-style: chr2-47273568-G-T.
Other names: c.1917G>T, p.Leu639= (NM_001288951.2); c.1815G>T, p.Leu605= (NM_001288953.2); c.855G>T, p.Leu285= (NM_001288955.2).
Identifiers: ClinVar variation 749249 (VCV000749249.11), dbSNP rs763222341, ClinGen allele CA1647899.

ClinVar aggregate classification (germline): Likely benign. Review status: criteria provided, single submitter (1 of 4 stars). 2 submissions from 2 submitters: Likely benign (1). 1 of the submissions does not count toward it. Last evaluated 2025-08-04.

Conditions:
TTC7A-related disorder. Also called: TTC7A-related condition.
Multiple gastrointestinal atresias. Also called: FAMILIAL INTESTINAL POLYATRESIA SYNDROME; Multiple intestinal atresia. Identifiers: Orphanet 2300, MedGen C0220744, MONDO:0009465.

Allele frequency attached by ClinVar (database versions not stated): ExAC 0.00002; gnomAD exomes 0.00002 and 0.00004; TOPMed 0.00002; gnomAD 0.00003.
gnomAD v4.1: 54 of 1,613,296 alleles (0.0033%); highest among the groups gnomAD compares: Non-Finnish European, 0.0044%; no homozygotes.

Submissions (2):

Labcorp Genetics (formerly Invitae), Labcorp
Classification: Likely benign for Multiple gastrointestinal atresias. Last evaluated: 2025-08-04. Review status: criteria provided, single submitter. Criteria: Invitae Variant Classification Sherloc (09022015). Collection method: clinical testing. Allele origin: germline.

PreventionGenetics, part of Exact Sciences
Classification: Likely benign for TTC7A-related condition. Last evaluated: 2019-05-02. Review status: no assertion criteria provided. Collection method: clinical testing. Allele origin: germline. Not counted in ClinVar's aggregate classification.
Comment: This variant is classified as likely benign based on ACMG/AMP sequence variant interpretation guidelines (Richards et al. 2015 PMID: 25741868, with internal and published modifications).